The following is an entry in ClinVar:

ClinVar aggregate classification (germline): Likely pathogenic. Review status: criteria provided, multiple submitters, no conflicts (2 of 4 stars). 2 submissions from 2 submitters: Likely pathogenic (2). Last evaluated 2025-03-21.

Conditions:
Pigmentary retinal dystrophy. Also called: Fundus albipunctatus. Identifiers: Orphanet 227796, Orphanet 52427, MedGen C0311338, MONDO:0007639, OMIM 136880, HP:0030642.
Retinal dystrophy. Also called: Inherited retinal dystrophy. Identifiers: Orphanet 71862, MedGen C0854723, MeSH D058499, MONDO:0019118, HP:0000556.

gnomAD v4.1: 4 of 1,614,126 alleles (0.00025%); highest among the groups gnomAD compares: South Asian, 0.0044%; no homozygotes.

Submissions (2):

First Genomix Gene Laboratory, Genetic Diagnostics Department
Classification: Likely pathogenic for Pigmentary retinal dystrophy. Last evaluated: 2025-03-21. Review status: criteria provided, single submitter. Criteria: ACMG Guidelines, 2015. Collection method: clinical testing. Allele origin: germline. Inheritance: Autosomal recessive inheritance. Affected: no. Observed: 1 variant allele.

Institute of Human Genetics, Univ. Regensburg, Univ. Regensburg
Classification: Likely pathogenic for Retinal dystrophy. Last evaluated: 2019-01-01. Review status: criteria provided, single submitter. Criteria: ACMG Guidelines, 2015. Collection method: clinical testing. Allele origin: germline. Affected: yes.

Literature cited by the submitters: PubMed 24265693 (cited by Institute of Human Genetics, Univ. Regensburg, Univ. Regensburg); PubMed 29892959 (cited by Institute of Human Genetics, Univ. Regensburg, Univ. Regensburg); PubMed 31964843 (cited by Institute of Human Genetics, Univ. Regensburg, Univ. Regensburg).

NM_002905.5(RDH5):c.602C>T (p.Ser201Phe)

Genes: BLOC1S1-RDH5 (BLOC1S1-RDH5 readthrough; plus strand), CD63 (CD63 molecule; minus strand), RDH5 (retinol dehydrogenase 5; plus strand). Cytogenetic location: 12q13.2.
Variant type: single nucleotide variant.
Coding change: c.602C>T on transcript NM_002905.5 (MANE Select); coding-DNA position 602, C replaced by T.
Protein change: p.Ser201Phe; replaces serine 201 with phenylalanine.
Molecular consequence: missense variant. On other transcripts: 3 prime UTR variant (2), non-coding transcript variant (1).
Genome position (GRCh38, 1-based): chr12:55,723,918, C>T. VCF-style: chr12-55723918-C-T. GRCh37 (hg19) VCF-style: chr12-56117702-C-T.
Other names: c.*1146G>A (NM_001413284.1); c.*1161G>A (NM_001413285.1); c.602C>T, p.Ser201Phe (NM_001199771.3); short protein forms S201F.
Identifiers: ClinVar variation 3248679 (VCV003248679.2).
Genomic context (GRCh38, chr12:55,723,918, plus strand): 5'-CAGCAACTTCGCTCTGCCCCGACTCTAGGCGGGATGTAGCTCATTTTGGGATACGAGTCT[C>T]CATCGTGGAGCCTGGCTTCTTCCGAACCCCTGTGACCAACCTGGAGAGTCTGGAGAAAAC-3'
Protein context (NP_002896.2, residues 191-211): RDVAHFGIRV[Ser201Phe]IVEPGFFRTP